The following is an entry in ClinVar:

ClinVar aggregate classification (germline): Uncertain significance (1 of 4 stars; one submission).

Submission:

Ambry Genetics
Classification: Uncertain significance. Last evaluated: 2024-04-13. Review status: criteria provided, single submitter. Criteria: Ambry Variant Classification Scheme 2023. Collection method: clinical testing. Allele origin: germline.
Comment: The p.P53A variant (also known as c.157C>G), located in coding exon 3 of the RPS20 gene, results from a C to G substitution at nucleotide position 157. The proline at codon 53 is replaced by alanine, an amino acid with highly similar properties. This amino acid position is conserved. In addition, this alteration is predicted to be deleterious by in silico analysis. Based on the available evidence, the clinical significance of this variant remains unclear.

NM_001023.4(RPS20):c.157C>G (p.Pro53Ala)

Gene: RPS20 (ribosomal protein S20; minus strand). Cytogenetic location: 8q12.1.
Variant type: single nucleotide variant.
Coding change: c.157C>G on transcript NM_001023.4 (MANE Select); coding-DNA position 157, C replaced by G.
Protein change: p.Pro53Ala; replaces proline 53 with alanine.
Molecular consequence: missense variant.
Genome position (GRCh38, 1-based): chr8:56,073,715, G>C on the plus strand (C>G on the coding strand, the complement: RPS20 is on the minus strand). VCF-style: chr8-56073715-G-C. GRCh37 (hg19) VCF-style: chr8-56986274-G-C.
Other names: c.157C>G, p.Pro53Ala (NM_001146227.3); short protein forms P53A.
Identifiers: ClinVar variation 3315290 (VCV003315290.1).